The following is an entry in ClinVar:

NM_004100.5(EYA4):c.211G>T (p.Glu71Ter)

Gene: EYA4 (EYA transcriptional coactivator and phosphatase 4; plus strand). Cytogenetic location: 6q23.2.
Variant type: single nucleotide variant.
Coding change: c.211G>T on transcript NM_004100.5 (MANE Select); coding-DNA position 211, G replaced by T.
Protein change: p.Glu71Ter; replaces glutamic acid 71 with a stop codon.
Molecular consequence: nonsense. On other transcripts: intron variant (4).
Genome position (GRCh38, 1-based): chr6:133,448,113, G>T. VCF-style: chr6-133448113-G-T. GRCh37 (hg19) VCF-style: chr6-133769251-G-T.
Other names: c.211G>T, p.Glu71Ter (NM_001301013.2, NM_172105.4); c.208+1359G>T (NM_001370458.1, NM_172103.4, NM_001370459.1 and 1 more transcripts); short protein forms E71*.
Identifiers: ClinVar variation 2743050 (VCV002743050.3), dbSNP rs537561870, ClinGen allele CA365838182.
Genomic context (GRCh38, chr6:133,448,113, plus strand): 5'-TTCATATCCACTCAGCAGGCATTCAGACAATGAACTTTTATACTGTTCCTGTTCTCAGGG[G>T]AAAACATGACTGTTTTAAACACAGCAGACTGGTTGCTGAGTTGCAACACCCCCTCTTCTG-3'

ClinVar aggregate classification (germline): Pathogenic (1 of 4 stars; one submission).

Conditions:
Dilated cardiomyopathy 1J (CMD1J). Also called: CARDIOMYOPATHY, DILATED, WITH SENSORINEURAL HEARING LOSS, AUTOSOMAL DOMINANT. Identifiers: Orphanet 217622, MedGen C1854368, MONDO:0011541, OMIM 605362.

Submission:

Labcorp Genetics (formerly Invitae), Labcorp
Classification: Pathogenic for Dilated cardiomyopathy 1J. Last evaluated: 2025-01-06. Review status: criteria provided, single submitter. Criteria: Invitae Variant Classification Sherloc (09022015). Collection method: clinical testing. Allele origin: germline.
Comment: This sequence change creates a premature translational stop signal (p.Glu71*) in the EYA4 gene. It is expected to result in an absent or disrupted protein product. Loss-of-function variants in EYA4 are known to be pathogenic (PMID: 11159937, 25781927, 25963406). This variant is not present in population databases (gnomAD no frequency). This variant has not been reported in the literature in individuals affected with EYA4-related conditions. ClinVar contains an entry for this variant (Variation ID: 2743050). For these reasons, this variant has been classified as Pathogenic.

Literature cited by the submitters: PubMed 11159937; PubMed 25781927; PubMed 25963406.